The following is an entry in ClinVar:

ClinVar aggregate classification (germline): Uncertain significance. Review status: criteria provided, multiple submitters, no conflicts (2 of 4 stars). 2 submissions from 2 submitters: Uncertain significance (2). Last evaluated 2026-01-22.

Conditions:
Autosomal recessive ataxia, Beauce type. Also called: ATAXIA, RECESSIVE, OF BEAUCE; SYNE1-Related Autosomal Recessive Cerebellar Ataxia; Spinocerebellar ataxia, autosomal recessive 8; SYNE1 Deficiency. Identifiers: Orphanet 88644, MedGen C1853116, MONDO:0012549, OMIM 610743.
Emery-Dreifuss muscular dystrophy 4, autosomal dominant (EDMD4). Also called: EMERY-DREIFUSS MUSCULAR DYSTROPHY 4 WITH VARIABLE FEATURES. Identifiers: Orphanet 261, MedGen C2751807, MONDO:0013071, OMIM 612998.

Submissions (2):

Dasa
Classification: Uncertain significance for Emery-Dreifuss muscular dystrophy 4, autosomal dominant. Last evaluated: 2026-01-22. Review status: criteria provided, single submitter. Criteria: DASA Assertion Criteria. Collection method: clinical testing. Allele origin: germline.
Comment: NM_182961.4(SYNE1):c.14636G>A (p.Cys4879Tyr) is a missense variant that results in the substitution of cysteine with tyrosine. This variant is rare in population databases. The currently available literature and clinical evidence are not sufficient to establish a definitive association between this variant and the reported condition. Therefore, this variant is classified as a variant of uncertain significance.

Labcorp Genetics (formerly Invitae), Labcorp
Classification: Uncertain significance for Emery-Dreifuss muscular dystrophy 4, autosomal dominant; Autosomal recessive ataxia, Beauce type. Last evaluated: 2022-07-26. Review status: criteria provided, single submitter. Criteria: Invitae Variant Classification Sherloc (09022015). Collection method: clinical testing. Allele origin: germline.
Comment: In summary, the available evidence is currently insufficient to determine the role of this variant in disease. Therefore, it has been classified as a Variant of Uncertain Significance. Algorithms developed to predict the effect of missense changes on protein structure and function (SIFT, PolyPhen-2, Align-GVGD) all suggest that this variant is likely to be disruptive. This variant has not been reported in the literature in individuals affected with SYNE1-related conditions. This variant is not present in population databases (gnomAD no frequency). This sequence change replaces cysteine, which is neutral and slightly polar, with tyrosine, which is neutral and polar, at codon 4808 of the SYNE1 protein (p.Cys4808Tyr).

NM_182961.4(SYNE1):c.14636G>A (p.Cys4879Tyr)

Gene: SYNE1 (spectrin repeat containing nuclear envelope protein 1; minus strand). Cytogenetic location: 6q25.2.
Variant type: single nucleotide variant.
Coding change: c.14636G>A on transcript NM_182961.4 (MANE Select); coding-DNA position 14636, G replaced by A.
Protein change: p.Cys4879Tyr; replaces cysteine 4879 with tyrosine.
Molecular consequence: missense variant.
Genome position (GRCh38, 1-based): chr6:152,330,049, C>T on the plus strand (G>A on the coding strand, the complement: SYNE1 is on the minus strand). VCF-style: chr6-152330049-C-T. GRCh37 (hg19) VCF-style: chr6-152651184-C-T.
Other names: c.14423G>A, p.Cys4808Tyr (NM_033071.5); short protein forms C4808Y, C4879Y.
Identifiers: ClinVar variation 1901972 (VCV001901972.7), dbSNP rs2485107838, ClinGen allele CA366096929.